The following is an entry in ClinVar:

ClinVar aggregate classification (germline): Uncertain significance (1 of 4 stars; one submission).

Allele frequency attached by ClinVar (database versions not stated): ESP Exome Variant Server 0.00015; gnomAD 0.00015; TOPMed 0.00018; gnomAD exomes 0.00022; ExAC 0.00024.

Submission:

Labcorp Genetics (formerly Invitae), Labcorp
Classification: Uncertain significance. Last evaluated: 2025-10-02. Review status: criteria provided, single submitter. Criteria: Invitae Variant Classification Sherloc (09022015). Collection method: clinical testing. Allele origin: germline.
Comment: This sequence change replaces leucine, which is neutral and non-polar, with serine, which is neutral and polar, at codon 323 of the PLTP protein (p.Leu323Ser). This variant is present in population databases (rs373772930, gnomAD 0.07%), and has an allele count higher than expected for a pathogenic variant. This variant has not been reported in the literature in individuals affected with PLTP-related conditions. ClinVar contains an entry for this variant (Variation ID: 2068140). An algorithm developed to predict the effect of missense changes on protein structure and function (PolyPhen-2) suggests that this variant is likely to be disruptive. In summary, the available evidence is currently insufficient to determine the role of this variant in disease. Therefore, it has been classified as a Variant of Uncertain Significance.

NM_006227.4(PLTP):c.968T>C (p.Leu323Ser)

Gene: PLTP (phospholipid transfer protein; minus strand). Cytogenetic location: 20q13.12.
Variant type: single nucleotide variant.
Coding change: c.968T>C on transcript NM_006227.4 (MANE Select); coding-DNA position 968, T replaced by C.
Protein change: p.Leu323Ser; replaces leucine 323 with serine.
Molecular consequence: missense variant.
Genome position (GRCh38, 1-based): chr20:45,902,579, A>G on the plus strand (T>C on the coding strand, the complement: PLTP is on the minus strand). VCF-style: chr20-45902579-A-G. GRCh37 (hg19) VCF-style: chr20-44531218-A-G.
Other names: c.683T>C, p.Leu228Ser (NM_001242920.2); c.704T>C, p.Leu235Ser (NM_001242921.1); c.812T>C, p.Leu271Ser (NM_182676.3); short protein forms L228S, L235S, L271S, L323S.
Identifiers: ClinVar variation 2068140 (VCV002068140.4), dbSNP rs373772930, ClinGen allele CA9883650.